The following is an entry in ClinVar:

ClinVar aggregate classification (germline): Uncertain significance. Review status: criteria provided, multiple submitters, no conflicts (2 of 4 stars). 3 submissions from 3 submitters: Uncertain significance (3). Last evaluated 2025-09-02.

Conditions:
Hereditary cancer-predisposing syndrome. Also called: Hereditary neoplastic syndrome; Hereditary Cancer Syndrome; Tumor predisposition; Neoplastic Syndromes, Hereditary. Identifiers: Orphanet 140162, MedGen C0027672, MeSH D009386, MONDO:0015356.
Hereditary pheochromocytoma and paraganglioma. Also called: Hereditary pheochromocytoma-paraganglioma; Hereditary Paraganglioma-Pheochromocytoma Syndromes; Hereditary paragangliomas and pheochromocytomas. Identifiers: Orphanet 29072, MedGen C4274332, MONDO:0017366.

Allele frequency attached by ClinVar (database versions not stated): gnomAD 0.00001; gnomAD exomes 0.00001 and 0.00002; TOPMed 0.00001; ExAC 0.00002.

Submissions (3):

Labcorp Genetics (formerly Invitae), Labcorp
Classification: Uncertain significance for Hereditary pheochromocytoma and paraganglioma. Last evaluated: 2025-09-02. Review status: criteria provided, single submitter. Criteria: Invitae Variant Classification Sherloc (09022015). Collection method: clinical testing. Allele origin: germline.
Comment: This sequence change replaces alanine, which is neutral and non-polar, with threonine, which is neutral and polar, at codon 110 of the TMEM127 protein (p.Ala110Thr). This variant is present in population databases (rs767739392, gnomAD 0.003%). This variant has not been reported in the literature in individuals affected with TMEM127-related conditions. ClinVar contains an entry for this variant (Variation ID: 933646). An algorithm developed to predict the effect of missense changes on protein structure and function (PolyPhen-2) suggests that this variant is likely to be disruptive. In summary, the available evidence is currently insufficient to determine the role of this variant in disease. Therefore, it has been classified as a Variant of Uncertain Significance.

Ambry Genetics
Classification: Uncertain significance for Hereditary cancer-predisposing syndrome. Last evaluated: 2024-10-13. Review status: criteria provided, single submitter. Criteria: Ambry Variant Classification Scheme 2023. Collection method: clinical testing. Allele origin: germline.
Comment: The p.A110T variant (also known as c.328G>A), located in coding exon 2 of the TMEM127 gene, results from a G to A substitution at nucleotide position 328. The alanine at codon 110 is replaced by threonine, an amino acid with similar properties. This amino acid position is highly conserved in available vertebrate species. In addition, this alteration is predicted to be deleterious by in silico analysis. Since supporting evidence is limited at this time, the clinical significance of this alteration remains unclear.

GeneDx
Classification: Uncertain significance. Last evaluated: 2023-04-17. Review status: criteria provided, single submitter. Criteria: GeneDx Variant Classification Process June 2021. Collection method: clinical testing. Allele origin: germline. Affected: yes.
Comment: Not observed at significant frequency in large population cohorts (gnomAD); In silico analysis supports that this missense variant does not alter protein structure/function; Has not been previously published as pathogenic or benign to our knowledge; This variant is associated with the following publications: (PMID: 21156949)

NM_017849.4(TMEM127):c.328G>A (p.Ala110Thr)

Gene: TMEM127 (transmembrane protein 127; minus strand). Cytogenetic location: 2q11.2.
Variant type: single nucleotide variant.
Coding change: c.328G>A on transcript NM_017849.4 (MANE Select); coding-DNA position 328, G replaced by A.
Protein change: p.Ala110Thr; replaces alanine 110 with threonine.
Molecular consequence: missense variant.
Genome position (GRCh38, 1-based): chr2:96,254,914, C>T on the plus strand (G>A on the coding strand, the complement: TMEM127 is on the minus strand). VCF-style: chr2-96254914-C-T. GRCh37 (hg19) VCF-style: chr2-96920652-C-T.
Other names: c.328G>A, p.Ala110Thr (NM_001193304.3); short protein forms A110T.
Identifiers: ClinVar variation 933646 (VCV000933646.12), dbSNP rs767739392, ClinGen allele CA1777349.